The following is an entry in ClinVar:

ClinVar aggregate classification (germline): Uncertain significance (1 of 4 stars; one submission).

Conditions:
Spermatogenic failure 18. Identifiers: MedGen C4539783, MONDO:0054615, OMIM 617576.
Ciliary dyskinesia, primary, 37 (CILD37). Also called: CILIARY DYSKINESIA, PRIMARY, 37, WITH OR WITHOUT SITUS INVERSUS. Identifiers: MedGen C4539798, MONDO:0033204, OMIM 617577.

Allele frequency attached by ClinVar (database versions not stated): ExAC 0.00001; gnomAD exomes 0.00001; TOPMed 0.00002.

Submission:

Labcorp Genetics (formerly Invitae), Labcorp
Classification: Uncertain significance for Ciliary dyskinesia, primary, 37; Spermatogenic failure 18. Last evaluated: 2023-01-13. Review status: criteria provided, single submitter. Criteria: Invitae Variant Classification Sherloc (09022015). Collection method: clinical testing. Allele origin: germline.
Comment: In summary, the available evidence is currently insufficient to determine the role of this variant in disease. Therefore, it has been classified as a Variant of Uncertain Significance. Advanced modeling of protein sequence and biophysical properties (such as structural, functional, and spatial information, amino acid conservation, physicochemical variation, residue mobility, and thermodynamic stability) performed at Invitae indicates that this missense variant is not expected to disrupt DNAH1 protein function. This variant has not been reported in the literature in individuals affected with DNAH1-related conditions. This variant is present in population databases (rs777354160, gnomAD 0.009%). This sequence change replaces alanine, which is neutral and non-polar, with threonine, which is neutral and polar, at codon 1416 of the DNAH1 protein (p.Ala1416Thr).

NM_015512.5(DNAH1):c.4246G>A (p.Ala1416Thr)

Gene: DNAH1 (dynein axonemal heavy chain 1; plus strand). Cytogenetic location: 3p21.1.
Variant type: single nucleotide variant.
Coding change: c.4246G>A on transcript NM_015512.5 (MANE Select); coding-DNA position 4246, G replaced by A.
Protein change: p.Ala1416Thr; replaces alanine 1416 with threonine.
Molecular consequence: missense variant.
Genome position (GRCh38, 1-based): chr3:52,358,717, G>A. VCF-style: chr3-52358717-G-A. GRCh37 (hg19) VCF-style: chr3-52392733-G-A.
Other names: short protein forms A1416T.
Identifiers: ClinVar variation 2940389 (VCV002940389.3), dbSNP rs777354160, ClinGen allele CA2433849.